The following is an entry in ClinVar:

ClinVar aggregate classification (germline): Uncertain significance (1 of 4 stars; one submission).

Submission:

Labcorp Genetics (formerly Invitae), Labcorp
Classification: Uncertain significance. Last evaluated: 2025-02-10. Review status: criteria provided, single submitter. Criteria: Invitae Variant Classification Sherloc (09022015). Collection method: clinical testing. Allele origin: germline.
Comment: This sequence change replaces histidine, which is basic and polar, with glutamine, which is neutral and polar, at codon 2073 of the NBAS protein (p.His2073Gln). This variant is not present in population databases (gnomAD no frequency). This variant has not been reported in the literature in individuals affected with NBAS-related conditions. ClinVar contains an entry for this variant (Variation ID: 2003229). Invitae Evidence Modeling of protein sequence and biophysical properties (such as structural, functional, and spatial information, amino acid conservation, physicochemical variation, residue mobility, and thermodynamic stability) indicates that this missense variant is not expected to disrupt NBAS protein function with a negative predictive value of 95%. In summary, the available evidence is currently insufficient to determine the role of this variant in disease. Therefore, it has been classified as a Variant of Uncertain Significance.

NM_015909.4(NBAS):c.6219C>A (p.His2073Gln)

Gene: NBAS (NBAS subunit of NRZ tethering complex; minus strand). Cytogenetic location: 2p24.3.
Variant type: single nucleotide variant.
Coding change: c.6219C>A on transcript NM_015909.4 (MANE Select); coding-DNA position 6219, C replaced by A.
Protein change: p.His2073Gln; replaces histidine 2073 with glutamine.
Molecular consequence: missense variant. On other transcripts: non-coding transcript variant (1).
Genome position (GRCh38, 1-based): chr2:15,232,439, G>T on the plus strand (C>A on the coding strand, the complement: NBAS is on the minus strand). VCF-style: chr2-15232439-G-T. GRCh37 (hg19) VCF-style: chr2-15372563-G-T.
Other names: short protein forms H2073Q.
Identifiers: ClinVar variation 2003229 (VCV002003229.4), dbSNP rs749989913, ClinGen allele CA345887285.
Genomic context (GRCh38, chr2:15,232,439, plus strand): 5'-GGAAAGCCAGTTAATGAAGATGCACATACTGTTCTAGTCTTACCCCTTGTCCACACTGGC[G>T]TGGACTGCTGCAACAACACCTTCCAGGACCTTCAGTGGGTCCCTTGGCCCACCAAGGTCA-3'
Protein context (NP_056993.2, residues 2063-2083): KVLEGVVAAV[His2073Gln]ASVDKGEELV